The following is an entry in ClinVar:

NM_000397.4(CYBB):c.1441A>C (p.Thr481Pro)

Gene: CYBB (cytochrome b-245 beta chain; plus strand). Cytogenetic location: Xp11.4.
Variant type: single nucleotide variant.
Coding change: c.1441A>C on transcript NM_000397.4 (MANE Select); coding-DNA position 1441, A replaced by C.
Protein change: p.Thr481Pro; replaces threonine 481 with proline.
Molecular consequence: missense variant.
Genome position (GRCh38, 1-based): chrX:37,806,513, A>C. VCF-style: chrX-37806513-A-C. GRCh37 (hg19) VCF-style: chrX-37665766-A-C.
Other names: short protein forms T481P.
Identifiers: ClinVar variation 2138523 (VCV002138523.4), dbSNP rs2519211175, ClinGen allele CA412978268.

ClinVar aggregate classification (germline): Uncertain significance (1 of 4 stars; one submission).

Conditions:
Granulomatous disease, chronic, X-linked. Also called: GRANULOMATOUS DISEASE, CHRONIC, X-LINKED, SOMATIC MOSAIC; CYTOCHROME b-NEGATIVE GRANULOMATOUS DISEASE, CHRONIC, X-LINKED. Identifiers: Orphanet 379, MedGen C1844376, MONDO:0010600, OMIM 306400.

Submission:

Labcorp Genetics (formerly Invitae), Labcorp
Classification: Uncertain significance for Granulomatous disease, chronic, X-linked. Last evaluated: 2022-06-14. Review status: criteria provided, single submitter. Criteria: Invitae Variant Classification Sherloc (09022015). Collection method: clinical testing. Allele origin: germline.
Comment: This sequence change replaces threonine, which is neutral and polar, with proline, which is neutral and non-polar, at codon 481 of the CYBB protein (p.Thr481Pro). This variant is not present in population databases (gnomAD no frequency). In summary, the available evidence is currently insufficient to determine the role of this variant in disease. Therefore, it has been classified as a Variant of Uncertain Significance. This missense change has been observed in individual(s) with chronic granulomatous disease (PMID: 20729109). Advanced modeling of protein sequence and biophysical properties (such as structural, functional, and spatial information, amino acid conservation, physicochemical variation, residue mobility, and thermodynamic stability) performed at Invitae indicates that this missense variant is expected to disrupt CYBB protein function.

Literature cited by the submitters: PubMed 20729109.